The following is an entry in ClinVar:

ClinVar aggregate classification (germline): Conflicting classifications of pathogenicity. Review status: criteria provided, conflicting classifications (1 of 4 stars). 3 submissions from 3 submitters: Uncertain significance (1); Likely benign (2). Last evaluated 2025-01-01.

Allele frequency attached by ClinVar (database versions not stated): ExAC 0.00009; TOPMed 0.00001; gnomAD 0.00005 and 0.00006; gnomAD exomes 0.00007 and 0.00008.
gnomAD v4.1: 120 of 1,611,762 alleles (0.0074%); highest among the groups gnomAD compares: Non-Finnish European, 0.0077%; no homozygotes.

Submissions (3):

CeGaT Center for Human Genetics Tuebingen
Classification: Likely benign. Last evaluated: 2025-01-01. Review status: criteria provided, single submitter. Criteria: CeGaT Center For Human Genetics Tuebingen Variant Classification Criteria Version 2. Collection method: clinical testing. Allele origin: germline. Affected: yes. Observed: 2 variant alleles.
Comment: AP3B2: BP4, BP7

Labcorp Genetics (formerly Invitae), Labcorp
Classification: Uncertain significance. Last evaluated: 2022-08-02. Review status: criteria provided, single submitter. Criteria: Invitae Variant Classification Sherloc (09022015). Collection method: clinical testing. Allele origin: germline.
Comment: This sequence change affects codon 986 of the AP3B2 mRNA. It is a 'silent' change, meaning that it does not change the encoded amino acid sequence of the AP3B2 protein. It affects a nucleotide within the consensus splice site. This variant is present in population databases (rs766114944, gnomAD 0.05%). This variant has not been reported in the literature in individuals affected with AP3B2-related conditions. ClinVar contains an entry for this variant (Variation ID: 1366721). Algorithms developed to predict the effect of sequence changes on RNA splicing suggest that this variant is not likely to affect RNA splicing. In summary, the available evidence is currently insufficient to determine the role of this variant in disease. Therefore, it has been classified as a Variant of Uncertain Significance.

Blueprint Genetics
Classification: Likely benign. Last evaluated: 2022-06-09. Review status: criteria provided, single submitter. Criteria: ACMG Guidelines, 2015. Collection method: clinical testing. Allele origin: germline.

NM_001278512.2(AP3B2):c.3015G>A (p.Gln1005=)

Genes: AP3B2 (adaptor related protein complex 3 subunit beta 2; minus strand), CPEB1-AS1 (CPEB1 antisense RNA 1; plus strand). Cytogenetic location: 15q25.2.
Variant type: single nucleotide variant.
Coding change: c.3015G>A on transcript NM_001278512.2 (MANE Select); coding-DNA position 3015, G replaced by A.
Protein change: p.Gln1005=; no amino-acid change (glutamine 1005 retained).
Molecular consequence: synonymous variant.
Genome position (GRCh38, 1-based): chr15:82,661,826, C>T on the plus strand (G>A on the coding strand, the complement: AP3B2 is on the minus strand). VCF-style: chr15-82661826-C-T. GRCh37 (hg19) VCF-style: chr15-83330578-C-T.
Other names: c.2862G>A, p.Gln954= (NM_001278511.2); c.147G>A, p.Gln49= (NM_001348441.2); c.2958G>A, p.Gln986= (NM_004644.5).
Identifiers: ClinVar variation 1366721 (VCV001366721.36), dbSNP rs766114944, ClinGen allele CA7699729.